The following is an entry in ClinVar:

NM_198578.4(LRRK2):c.6454G>C (p.Val2152Leu)

Gene: LRRK2 (leucine rich repeat kinase 2; plus strand). Cytogenetic location: 12q12.
Variant type: single nucleotide variant.
Coding change: c.6454G>C on transcript NM_198578.4 (MANE Select); coding-DNA position 6454, G replaced by C.
Protein change: p.Val2152Leu; replaces valine 2152 with leucine.
Molecular consequence: missense variant.
Genome position (GRCh38, 1-based): chr12:40,351,611, G>C. VCF-style: chr12-40351611-G-C. GRCh37 (hg19) VCF-style: chr12-40745413-G-C.
Other names: short protein forms V2152L.
Identifiers: ClinVar variation 2447271 (VCV002447271.2), dbSNP rs1592325636, ClinGen allele CA384406756.

ClinVar aggregate classification (germline): Uncertain significance (1 of 4 stars; one submission).

Conditions:
Inborn genetic diseases. Identifiers: MedGen C0950123, MeSH D030342.

Submission:

Ambry Genetics
Classification: Uncertain significance for Inborn genetic diseases. Last evaluated: 2022-12-09. Review status: criteria provided, single submitter. Criteria: Ambry Variant Classification Scheme 2023. Collection method: clinical testing. Allele origin: germline.
Comment: The p.V2152L variant (also known as c.6454G>C), located in coding exon 44 of the LRRK2 gene, results from a G to C substitution at nucleotide position 6454. The valine at codon 2152 is replaced by leucine, an amino acid with highly similar properties. This amino acid position is conserved. In addition, this alteration is predicted to be tolerated by in silico analysis. Since supporting evidence is limited at this time, the clinical significance of this alteration remains unclear.